The following is an entry in ClinVar:

ClinVar aggregate classification (germline): Conflicting classifications of pathogenicity. Review status: criteria provided, conflicting classifications (1 of 4 stars). 2 submissions from 2 submitters: Uncertain significance (1); Likely benign (1). Last evaluated 2025-04-17.

Allele frequency attached by ClinVar (database versions not stated): TOPMed 0.00002; gnomAD 0.00003.

Submissions (2):

Labcorp Genetics (formerly Invitae), Labcorp
Classification: Uncertain significance. Last evaluated: 2025-04-17. Review status: criteria provided, single submitter. Criteria: Invitae Variant Classification Sherloc (09022015). Collection method: clinical testing. Allele origin: germline.
Comment: This sequence change falls in intron 24 of the SNRNP200 gene. It does not directly change the encoded amino acid sequence of the SNRNP200 protein. It affects a nucleotide within the consensus splice site. This variant is present in population databases (rs112436124, gnomAD 0.007%). This variant has not been reported in the literature in individuals affected with SNRNP200-related conditions. ClinVar contains an entry for this variant (Variation ID: 1918637). Variants that disrupt the consensus splice site are a relatively common cause of aberrant splicing (PMID: 17576681, 9536098). Algorithms developed to predict the effect of sequence changes on RNA splicing suggest that this variant is not likely to affect RNA splicing. In summary, the available evidence is currently insufficient to determine the role of this variant in disease. Therefore, it has been classified as a Variant of Uncertain Significance.

Blueprint Genetics
Classification: Likely benign. Last evaluated: 2024-03-01. Review status: criteria provided, single submitter. Criteria: ACMG Guidelines, 2015. Collection method: clinical testing. Allele origin: germline.

Literature cited by the submitters: PubMed 17576681 (cited by Labcorp Genetics (formerly Invitae), Labcorp); PubMed 9536098 (cited by Labcorp Genetics (formerly Invitae), Labcorp).

NM_014014.5(SNRNP200):c.3258+6A>G

Gene: SNRNP200 (small nuclear ribonucleoprotein U5 subunit 200; minus strand). Cytogenetic location: 2q11.2.
Variant type: single nucleotide variant.
Coding change: c.3258+6A>G on transcript NM_014014.5 (MANE Select); 6 bases into the intron after coding-DNA position 3258, A replaced by G.
Molecular consequence: intron variant.
Genome position (GRCh38, 1-based): chr2:96,288,657, T>C on the plus strand (A>G on the coding strand, the complement: SNRNP200 is on the minus strand). VCF-style: chr2-96288657-T-C. GRCh37 (hg19) VCF-style: chr2-96954395-T-C.
Identifiers: ClinVar variation 1918637 (VCV001918637.6), dbSNP rs112436124, ClinGen allele CA52396011.